The following is an entry in ClinVar:

NM_133259.4(LRPPRC):c.1493_1495delinsTTGT (p.Asn498fs)

Gene: LRPPRC (leucine rich pentatricopeptide repeat containing; minus strand). Cytogenetic location: 2p21.
Variant type: Indel.
Coding change: c.1493_1495delinsTTGT on transcript NM_133259.4 (MANE Select); coding-DNA positions 1493 to 1495, ATG replaced by TTGT.
Protein change: p.Asn498fs; shifts the reading frame from asparagine 498.
Molecular consequence: frameshift variant.
Genome position (GRCh38, 1-based): chr2:43,960,628-43,960,630, CAT replaced by ACAA on the plus strand (ATG replaced by TTGT on the coding strand, the reverse complement: LRPPRC is on the minus strand). VCF-style: chr2-43960628-CAT-ACAA. GRCh37 (hg19) VCF-style: chr2-44187767-CAT-ACAA.
Other names: short protein forms N498fs.
Identifiers: ClinVar variation 1726809 (VCV001726809.2), dbSNP rs2466617723, ClinGen allele CA2580066510.
Genomic context (GRCh38, chr2:43,960,628, plus strand): 5'-CATTTGCTGCTTCACTTCTCAATCCAGCTTGAGAAAACATATCACTATCAGACAGACATC[CAT>ACAA]TTTCCTGGAGATAAAGCATATATCAATGAGAATACATCTCAGCTAACAATATTTTGATAA-3'

ClinVar aggregate classification (germline): Likely pathogenic (1 of 4 stars; one submission).

Conditions:
Congenital lactic acidosis, Saguenay-Lac-Saint-Jean type (MC4DN5). Also called: CYTOCHROME c OXIDASE DEFICIENCY, FRENCH CANADIAN TYPE; COX DEFICIENCY, FRENCH CANADIAN TYPE; MITOCHONDRIAL COMPLEX IV DEFICIENCY, NUCLEAR TYPE 5. Identifiers: Orphanet 70472, MedGen C1857355, MONDO:0009069, OMIM 220111.

Submission:

Myriad Genetics, Inc.
Classification: Likely pathogenic for Congenital lactic acidosis, Saguenay-Lac-Saint-Jean type. Last evaluated: 2022-01-02. Review status: criteria provided, single submitter. Criteria: Myriad Women's Health Autosomal Recessive and X-Linked Classification Criteria (2021). Collection method: clinical testing. Allele origin: unknown.
Comment: NM_133259.3(LRPPRC):c.1493_1495delATGinsTTGT(N498Ifs*6) is expected to be pathogenic in the context of Leigh syndrome, French-Canadian type. This variant is predicted to lead to an abnormal or absent protein product due to the creation of a premature termination codon in LRPPRC, a gene where loss-of-function variants are known to be pathogenic. Please note: this variant was assessed in the context of healthy population screening.